The following is an entry in ClinVar:

NM_020975.6(RET):c.763A>G (p.Met255Val)

Gene: RET (ret proto-oncogene; plus strand). Cytogenetic location: 10q11.21.
Variant type: single nucleotide variant.
Coding change: c.763A>G on transcript NM_020975.6 (MANE Select); coding-DNA position 763, A replaced by G.
Protein change: p.Met255Val; replaces methionine 255 with valine.
Molecular consequence: missense variant. On other transcripts: initiator codon variant (1), intron variant (22).
Genome position (GRCh38, 1-based): chr10:43,105,089, A>G. VCF-style: chr10-43105089-A-G. GRCh37 (hg19) VCF-style: chr10-43600537-A-G.
Other names: c.763A>G, p.Met255Val (NM_000323.2, NM_001406743.1, NM_001406744.1 and 8 more transcripts); c.1A>G, p.Met1Val (NM_001355216.2); c.634A>G, p.Met212Val (NM_001406761.1, NM_001406762.1, NM_001406764.1 and 2 more transcripts); c.475A>G, p.Met159Val (NM_001406766.1, NM_001406767.1, NM_001406770.1); c.625+2460A>G (NM_001406773.1, NM_001406771.1, NM_001406782.1 and 5 more transcripts); c.496+2460A>G (NM_001406786.1, NM_001406783.1); c.338-3942A>G (NM_001406778.1, NM_001406775.1, NM_001406776.1 and 1 more transcripts); c.337+4367A>G (NM_001406790.1, NM_001406788.1, NM_001406789.1 and 1 more transcripts); and 2 more; short protein forms M159V, M1V, M212V, M255V.
Identifiers: ClinVar variation 3227569 (VCV003227569.1), dbSNP rs770741709, ClinGen allele CA376544920.
Genomic context (GRCh38, chr10:43,105,089, plus strand): 5'-GAGAAGTACGAGCTGGTGGCCGTGTGCACCGTGCACGCCGGCGCGCGCGAGGAGGTGGTG[A>G]TGGTGCCCTTCCCGGTGACCGTGTACGACGAGGACGACTCGGCGCCCACCTTCCCCGCGG-3'
Protein context (NP_066124.1, residues 245-265): VHAGAREEVV[Met255Val]VPFPVTVYDE

ClinVar aggregate classification (germline): Uncertain significance (1 of 4 stars; one submission).

Conditions:
Hereditary cancer-predisposing syndrome. Also called: Neoplastic Syndromes, Hereditary; Tumor predisposition; Hereditary neoplastic syndrome; Hereditary Cancer Syndrome. Identifiers: Orphanet 140162, MedGen C0027672, MeSH D009386, MONDO:0015356.

gnomAD v4.1: 1 of 1,611,824 alleles (0.000062%); highest among the groups gnomAD compares: Non-Finnish European, 0.000085%; no homozygotes.

Submission:

Ambry Genetics
Classification: Uncertain significance for Hereditary cancer-predisposing syndrome. Last evaluated: 2023-12-01. Review status: criteria provided, single submitter. Criteria: Ambry Variant Classification Scheme 2023. Collection method: clinical testing. Allele origin: germline.
Comment: The p.M255V variant (also known as c.763A>G), located in coding exon 4 of the RET gene, results from an A to G substitution at nucleotide position 763. The methionine at codon 255 is replaced by valine, an amino acid with highly similar properties. This amino acid position is conserved. In addition, this alteration is predicted to be tolerated by in silico analysis. Since supporting evidence is limited at this time, the clinical significance of this alteration remains unclear.